The following is an entry in ClinVar:

ClinVar aggregate classification (germline): Likely benign (1 of 4 stars; one submission).

Allele frequency attached by ClinVar (database versions not stated): 1000 Genomes Project 30x 0.00016; 1000 Genomes Project 0.00020; ExAC 0.00039; gnomAD 0.00047; ESP Exome Variant Server 0.00062; TOPMed 0.00062.
gnomAD v4.1: 1,273 of 1,614,156 alleles (0.079%); highest among the groups gnomAD compares: Middle Eastern, 0.23%; no homozygotes.

Submission:

CeGaT Center for Human Genetics Tuebingen
Classification: Likely benign. Last evaluated: 2022-07-01. Review status: criteria provided, single submitter. Criteria: CeGaT Center For Human Genetics Tuebingen Variant Classification Criteria Version 2. Collection method: clinical testing. Allele origin: germline. Affected: yes. Observed: 1 variant allele.
Comment: LRRN4: BP4, BP7

NM_152611.5(LRRN4):c.726G>A (p.Thr242=)

Gene: LRRN4 (leucine rich repeat neuronal 4; minus strand). Cytogenetic location: 20p12.3.
Variant type: single nucleotide variant.
Coding change: c.726G>A on transcript NM_152611.5 (MANE Select); coding-DNA position 726, G replaced by A.
Protein change: p.Thr242=; no amino-acid change (threonine 242 retained).
Molecular consequence: synonymous variant.
Genome position (GRCh38, 1-based): chr20:6,050,913, C>T on the plus strand (G>A on the coding strand, the complement: LRRN4 is on the minus strand). VCF-style: chr20-6050913-C-T. GRCh37 (hg19) VCF-style: chr20-6031559-C-T.
Identifiers: ClinVar variation 2652198 (VCV002652198.24), dbSNP rs149005401, ClinGen allele CA9757762.